The following is an entry in ClinVar:

NM_004481.5(GALNT2):c.629G>A (p.Arg210Gln)

Gene: GALNT2 (polypeptide N-acetylgalactosaminyltransferase 2; plus strand). Cytogenetic location: 1q42.13.
Variant type: single nucleotide variant.
Coding change: c.629G>A on transcript NM_004481.5 (MANE Select); coding-DNA position 629, G replaced by A.
Protein change: p.Arg210Gln; replaces arginine 210 with glutamine.
Molecular consequence: missense variant.
Genome position (GRCh38, 1-based): chr1:230,243,327, G>A. VCF-style: chr1-230243327-G-A. GRCh37 (hg19) VCF-style: chr1-230379073-G-A.
Other names: c.515G>A, p.Arg172Gln (NM_001291866.2); short protein forms R172Q, R210Q.
Identifiers: ClinVar variation 3615102 (VCV003615102.1).
Genomic context (GRCh38, chr1:230,243,327, plus strand): 5'-CTTCTCTCTCCTGACGTGCTTTCCAACTCGCCTCTGCAGGCCTCATGCGCTCACGGGTTC[G>A]GGGGGCCGATGCTGCCCAAGCCAAGGTCCTGACCTTCCTGGACAGTCACTGCGAGTGTAA-3'
Protein context (NP_004472.1, residues 200-220): RREGLMRSRV[Arg210Gln]GADAAQAKVL

ClinVar aggregate classification (germline): Uncertain significance (1 of 4 stars; one submission).

gnomAD v4.1: 10 of 1,606,866 alleles (0.00062%); highest among the groups gnomAD compares: East Asian, 0.0022%; no homozygotes.

Submission:

Labcorp Genetics (formerly Invitae), Labcorp
Classification: Uncertain significance. Last evaluated: 2024-11-28. Review status: criteria provided, single submitter. Criteria: Invitae Variant Classification Sherloc (09022015). Collection method: clinical testing. Allele origin: germline.
Comment: This sequence change replaces arginine, which is basic and polar, with glutamine, which is neutral and polar, at codon 210 of the GALNT2 protein (p.Arg210Gln). This variant is present in population databases (rs376870425, gnomAD 0.007%). This variant has not been reported in the literature in individuals affected with GALNT2-related conditions. Invitae Evidence Modeling of protein sequence and biophysical properties (such as structural, functional, and spatial information, amino acid conservation, physicochemical variation, residue mobility, and thermodynamic stability) indicates that this missense variant is not expected to disrupt GALNT2 protein function with a negative predictive value of 80%. In summary, the available evidence is currently insufficient to determine the role of this variant in disease. Therefore, it has been classified as a Variant of Uncertain Significance.